The following is an entry in ClinVar:

NM_024577.4(SH3TC2):c.1017C>T (p.Ala339=)

Gene: SH3TC2 (SH3 domain and tetratricopeptide repeats 2; minus strand). Cytogenetic location: 5q32.
Variant type: single nucleotide variant.
Coding change: c.1017C>T on transcript NM_024577.4 (MANE Select); coding-DNA position 1017, C replaced by T.
Protein change: p.Ala339=; no amino-acid change (alanine 339 retained).
Molecular consequence: synonymous variant.
Genome position (GRCh38, 1-based): chr5:149,031,672, G>A on the plus strand (C>T on the coding strand, the complement: SH3TC2 is on the minus strand). VCF-style: chr5-149031672-G-A. GRCh37 (hg19) VCF-style: chr5-148411235-G-A.
Identifiers: ClinVar variation 282383 (VCV000282383.23), dbSNP rs201779392, ClinGen allele CA3499307.

ClinVar aggregate classification (germline): Conflicting classifications of pathogenicity. Review status: criteria provided, conflicting classifications (1 of 4 stars). 6 submissions from 6 submitters: Uncertain significance (1); Likely benign (5). Last evaluated 2026-01-12.

Conditions:
Inborn genetic diseases. Identifiers: MedGen C0950123, MeSH D030342.
SH3TC2-related disorder. Also called: SH3TC2-related disorders; SH3TC2-related condition. Identifiers: MedGen CN239303.
Charcot-Marie-Tooth disease. Also called: Charcot-Marie-Tooth Hereditary Neuropathy; Charcot-Marie-Tooth Neuropathy. Identifiers: Orphanet 166, MedGen C0007959, MONDO:0015626.
Charcot-Marie-Tooth disease type 4. Also called: Charcot-Marie-Tooth disease, type IV; Charcot-Marie-Tooth, Type 4. Identifiers: Orphanet 64749, MedGen C4082197, MONDO:0018995.

Allele frequency attached by ClinVar (database versions not stated): gnomAD 0.00003; gnomAD exomes 0.00003 and 0.00008; TOPMed 0.00003; ExAC 0.00008; ESP Exome Variant Server 0.00015.
gnomAD v4.1: 61 of 1,614,108 alleles (0.0038%); highest among the groups gnomAD compares: Non-Finnish European, 0.0014%; no homozygotes.

Submissions (6):

Labcorp Genetics (formerly Invitae), Labcorp
Classification: Likely benign for Charcot-Marie-Tooth disease type 4. Last evaluated: 2026-01-12. Review status: criteria provided, single submitter. Criteria: Invitae Variant Classification Sherloc (09022015). Collection method: clinical testing. Allele origin: germline.

PreventionGenetics, part of Exact Sciences
Classification: Likely benign for SH3TC2-related condition. Last evaluated: 2025-08-19. Review status: criteria provided, single submitter. Criteria: ACMG Guidelines, 2015. Collection method: clinical testing. Allele origin: germline.
Comment: This variant is classified as likely benign based on ACMG/AMP sequence variant interpretation guidelines (Richards et al. 2015 PMID: 25741868, with internal and published modifications).

Ambry Genetics
Classification: Likely benign for Inborn genetic diseases. Last evaluated: 2019-07-11. Review status: criteria provided, single submitter. Criteria: Ambry Variant Classification Scheme 2023. Collection method: clinical testing. Allele origin: germline.

GeneDx
Classification: Likely benign. Last evaluated: 2019-04-19. Review status: criteria provided, single submitter. Criteria: GeneDx Variant Classification Process June 2021. Collection method: clinical testing. Allele origin: germline. Affected: yes.

Eurofins Ntd Llc (ga)
Classification: Uncertain significance. Last evaluated: 2015-08-24. Review status: criteria provided, single submitter. Criteria: EGL Classification Definitions 2015. Collection method: clinical testing. Allele origin: germline. Observed: 1 variant allele, 1 heterozygote.

Molecular Genetics Laboratory, London Health Sciences Centre
Classification: Likely benign for Charcot-Marie-Tooth disease. Review status: criteria provided, single submitter. Criteria: ACMG Guidelines, 2015. Collection method: clinical testing. Allele origin: germline. Affected: yes.